The following is an entry in ClinVar:

NM_002474.3(MYH11):c.3603C>A (p.His1201Gln)

Gene: MYH11 (myosin heavy chain 11; minus strand). Cytogenetic location: 16p13.11.
Variant type: single nucleotide variant.
Coding change: c.3603C>A on transcript NM_002474.3 (MANE Select); coding-DNA position 3603, C replaced by A.
Protein change: p.His1201Gln; replaces histidine 1201 with glutamine.
Molecular consequence: missense variant.
Genome position (GRCh38, 1-based): chr16:15,732,612, G>T on the plus strand (C>A on the coding strand, the complement: MYH11 is on the minus strand). VCF-style: chr16-15732612-G-T. GRCh37 (hg19) VCF-style: chr16-15826469-G-T.
Other names: c.3624C>A, p.His1208Gln (NM_001040113.2, NM_001040114.2); c.3603C>A, p.His1201Gln (NM_022844.3); short protein forms H1201Q, H1208Q.
Identifiers: ClinVar variation 4057086 (VCV004057086.1).

ClinVar aggregate classification (germline): Uncertain significance (1 of 4 stars; one submission).

Submission:

GeneDx
Classification: Uncertain significance. Last evaluated: 2025-01-09. Review status: criteria provided, single submitter. Criteria: GeneDx Variant Classification Process June 2021. Collection method: clinical testing. Allele origin: germline. Affected: yes.
Comment: Not observed at significant frequency in large population cohorts (gnomAD); In silico analysis supports that this missense variant has a deleterious effect on protein structure/function; Has not been previously published as pathogenic or benign to our knowledge